The following is an entry in ClinVar:

NM_001288705.3(CSF1R):c.2603T>G (p.Leu868Arg)

Gene: CSF1R (colony stimulating factor 1 receptor; minus strand). Cytogenetic location: 5q32.
Variant type: single nucleotide variant.
Coding change: c.2603T>G on transcript NM_001288705.3 (MANE Select); coding-DNA position 2603, T replaced by G.
Protein change: p.Leu868Arg; replaces leucine 868 with arginine.
Molecular consequence: missense variant. On other transcripts: non-coding transcript variant (2).
Genome position (GRCh38, 1-based): chr5:150,055,288, A>C on the plus strand (T>G on the coding strand, the complement: CSF1R is on the minus strand). VCF-style: chr5-150055288-A-C. GRCh37 (hg19) VCF-style: chr5-149434851-A-C.
Other names: c.2603T>G, p.Leu868Arg (NM_001349736.2, NM_001375320.1, NM_005211.4); c.2159T>G, p.Leu720Arg (NM_001375321.1); short protein forms L720R, L868R.
Identifiers: ClinVar variation 907382 (VCV000907382.21), dbSNP rs281860278, ClinGen allele CA3506401.

ClinVar aggregate classification (germline): Conflicting classifications of pathogenicity. Review status: criteria provided, conflicting classifications (1 of 4 stars). 5 submissions from 5 submitters: Uncertain significance (4); Likely benign (1). Last evaluated 2026-01-06.

Conditions:
CSF1R-related disorder. Also called: CSF1R-related condition. Identifiers: MedGen CN379780, MONDO:0100632.
Leukoencephalopathy, diffuse hereditary, with spheroids 1 (HDLS1). Also called: SUBCORTICAL GLIOSIS OF NEUMANN; CSF1R-related adult-onset leukoencephalopathy with axonal spheroids and pigmented glia; DEMENTIA, FAMILIAL, NEUMANN TYPE. Identifiers: Orphanet 313808, MedGen C5561929, MONDO:0800027, OMIM 221820.
Hereditary diffuse leukoencephalopathy with spheroids. Also called: LEUKOENCEPHALOPATHY, ADULT-ONSET, WITH AXONAL SPHEROIDS AND PIGMENTED GLIA. Identifiers: Orphanet 313808, MedGen C3711381, MONDO:0030796.

Allele frequency attached by ClinVar (database versions not stated): ExAC 0.00005; gnomAD exomes 0.00005 and 0.00013; gnomAD 0.00006 and 0.00007; TOPMed 0.00006.
gnomAD v4.1: 207 of 1,614,060 alleles (0.013%); highest among the groups gnomAD compares: Non-Finnish European, 0.016%; no homozygotes.

Submissions (5):

Labcorp Genetics (formerly Invitae), Labcorp
Classification: Uncertain significance. Last evaluated: 2026-01-06. Review status: criteria provided, single submitter. Criteria: Invitae Variant Classification Sherloc (09022015). Collection method: clinical testing. Allele origin: germline.
Comment: This sequence change replaces leucine, which is neutral and non-polar, with arginine, which is basic and polar, at codon 868 of the CSF1R protein (p.Leu868Arg). This variant is present in population databases (rs281860278, gnomAD 0.01%). This missense change has been observed in individual(s) with CSF1R-related conditions (PMID: 29544907, 30279455). ClinVar contains an entry for this variant (Variation ID: 907382). Invitae Evidence Modeling of protein sequence and biophysical properties (such as structural, functional, and spatial information, amino acid conservation, physicochemical variation, residue mobility, and thermodynamic stability) indicates that this missense variant is not expected to disrupt CSF1R protein function with a negative predictive value of 95%. In summary, the available evidence is currently insufficient to determine the role of this variant in disease. Therefore, it has been classified as a Variant of Uncertain Significance.

CeGaT Center for Human Genetics Tuebingen
Classification: Uncertain significance. Last evaluated: 2025-08-01. Review status: criteria provided, single submitter. Criteria: CeGaT Center For Human Genetics Tuebingen Variant Classification Criteria Version 2. Collection method: clinical testing. Allele origin: germline. Affected: yes. Observed: 1 variant allele.
Comment: CSF1R: PM5, PP2, PS4:Supporting

PreventionGenetics, part of Exact Sciences
Classification: Uncertain significance for CSF1R-related condition. Last evaluated: 2024-12-16. Review status: criteria provided, single submitter. Criteria: ACMG Guidelines, 2015. Collection method: clinical testing. Allele origin: germline.
Comment: The CSF1R c.2603T>G variant is predicted to result in the amino acid substitution p.Leu868Arg. This variant has been reported in an individual with Alzheimer's disease (Sassi et al. 2018. PubMed ID: 29544907) and in three additional individuals with dementia (Table 5S, Koriath et al. 2020. PubMed ID: 30279455). This variant is reported in 0.010% of alleles in individuals of European (non-Finnish) descent in gnomAD. At this time, the clinical significance of this variant is uncertain due to the absence of conclusive functional and genetic evidence.

Victorian Clinical Genetics Services, Murdoch Childrens Research Institute
Classification: Uncertain significance for Leukoencephalopathy, diffuse hereditary, with spheroids 1. Last evaluated: 2020-05-21. Review status: criteria provided, single submitter. Criteria: ACMG Guidelines, 2015. Collection method: clinical testing. Allele origin: germline. Affected: yes.
Comment: Based on the classification scheme VCGS_Germline_v1.1.1, this variant is classified as 3A-VUS. Following criteria are met: 0102 - Loss-of-function is a known mechanism of disease for this gene. (N) 0108 - This gene is known to be associated with both recessive and dominant disease. (N) 0200 - Variant is predicted to result in a missense amino acid change from a leucine to an arginine (exon 20). (N) 0251 - Variant is heterozygous. (N) 0302 - Variant is present in gnomAD <0.001 for a dominant condition (14 heterozygotes, 0 homozygotes). (P) 0502 - Missense variant with conflicting in silico predictions and/or uninformative conservation. (N) 0602 - Variant is located in a hotspot region or cluster of pathogenic variants (protein tyrosine kinase domain; PDB, NCBI, Robinson, J. et al. (2015)). (P) 0704 - Comparable variant has low previous evidence for pathogenicity (ClinVar; Blauwendraat C. et al. (2019); Rademakers, R. et al. (2011)). (P) 0808 - Previous reports of pathogenicity are conflicting (Sassi, C. et al. (2018); Blue, E. et al. (2018)). (N) 1007 - No published functional evidence has been identified for this variant. (N) 1208 - Inheritance information for this variant is not currently available. (N) Legend: (P) - Pathogenic, (N) - Neutral, (B) - Benign

Illumina Laboratory Services, Illumina
Classification: Likely benign for Leukoencephalopathy, diffuse hereditary, with spheroids 1. Last evaluated: 2017-04-28. Review status: criteria provided, single submitter. Criteria: ICSL Variant Classification Criteria 13 December 2019. Collection method: clinical testing. Allele origin: germline.
Comment: This variant was observed as part of a predisposition screen in an ostensibly healthy population. A literature search was performed for the gene, cDNA change, and amino acid change (where applicable). No publications were found based on this search. Allele frequency data from public databases allowed determination this variant is unlikely to cause disease. Therefore, this variant is classified as likely benign.

Literature cited by the submitters: PubMed 29544907 (cited by Labcorp Genetics (formerly Invitae), Labcorp and Victorian Clinical Genetics Services, Murdoch Childrens Research Institute); PubMed 30279455 (cited by Labcorp Genetics (formerly Invitae), Labcorp); PubMed 22197934 (cited by Victorian Clinical Genetics Services, Murdoch Childrens Research Institute); PubMed 26141825 (cited by Victorian Clinical Genetics Services, Murdoch Childrens Research Institute); PubMed 29486463 (cited by Victorian Clinical Genetics Services, Murdoch Childrens Research Institute); PubMed 30528841 (cited by Victorian Clinical Genetics Services, Murdoch Childrens Research Institute).